The following is an entry in ClinVar:

ClinVar aggregate classification (germline): Uncertain significance (1 of 4 stars; one submission).

Conditions:
Retinoblastoma (RB1). Also called: RETINOBLASTOMA, SOMATIC. Identifiers: Orphanet 790, MedGen C0035335, MeSH D012175, MONDO:0008380, OMIM 180200, HP:0009919. Disease mechanism: loss of function. Inheritance: Both sporadic and heritable forms are tested..

Allele frequency attached by ClinVar (database versions not stated): gnomAD exomes below 0.00001.

Submission:

All of Us Research Program, National Institutes of Health
Classification: Uncertain significance for Retinoblastoma. Last evaluated: 2023-12-01. Review status: criteria provided, single submitter. Criteria: ACMG Guidelines, 2015. Collection method: clinical testing. Allele origin: germline. Inheritance: Autosomal dominant inheritance. Observed: 1 variant allele, 1 heterozygote.
Comment: This study involves interpretation of variants in research participants for the purpose of population health screening. Participant phenotype was not available at the time of variant classification. Additional details can be found in publication PMID: 35346344, PMCID: PMC8962531

NC_000013.11:g.48303714C>T

Gene: RB1 (RB transcriptional corepressor 1; plus strand). Cytogenetic location: 13q14.2.
Variant type: single nucleotide variant.
Genome position: GRCh38 VCF-style: chr13-48303714-C-T. GRCh37 (hg19) VCF-style: chr13-48877850-C-T.
Identifiers: ClinVar variation 3074627 (VCV003074627.1), dbSNP rs2138025971, ClinGen allele CA2622977052.